The following is an entry in ClinVar:

NM_000257.4(MYH7):c.1753A>T (p.Ile585Phe)

Gene: MYH7 (myosin heavy chain 7; minus strand). Cytogenetic location: 14q11.2.
Variant type: single nucleotide variant.
Coding change: c.1753A>T on transcript NM_000257.4 (MANE Select); coding-DNA position 1753, A replaced by T.
Protein change: p.Ile585Phe; replaces isoleucine 585 with phenylalanine.
Molecular consequence: missense variant.
Genome position (GRCh38, 1-based): chr14:23,427,720, T>A on the plus strand (A>T on the coding strand, the complement: MYH7 is on the minus strand). VCF-style: chr14-23427720-T-A. GRCh37 (hg19) VCF-style: chr14-23896929-T-A.
Other names: c.1753A>T (LRG_384t1); short protein forms I585F.
Identifiers: ClinVar variation 263549 (VCV000263549.5), dbSNP rs886038845, ClinGen allele CA10587776.

ClinVar aggregate classification (germline): Uncertain significance (1 of 4 stars; one submission).

Conditions:
Cardiovascular phenotype. Identifiers: MedGen CN230736.

Submission:

Ambry Genetics
Classification: Uncertain significance for Cardiovascular phenotype. Last evaluated: 2016-02-10. Review status: criteria provided, single submitter. Criteria: Ambry Variant Classification Scheme 2023. Collection method: clinical testing. Allele origin: germline.
Comment: The p.I585F variant (also known as c.1753A>T), located in coding exon 14 of the MYH7 gene, results from an A to T substitution at nucleotide position 1753. The isoleucine at codon 585 is replaced by phenylalanine, an amino acid with highly similar properties. This variant was not reported in population based cohorts in the following databases: Database of Single Nucleotide Polymorphisms (dbSNP), NHLBI Exome Sequencing Project (ESP), and 1000 Genomes Project. In the ESP, this variant was not observed in 6503 samples (13006 alleles) with coverage at this position. This amino acid position is not well conserved in available vertebrate species. In addition, this alteration is predicted to be tolerated by in silico analysis. Since supporting evidence is limited at this time, the clinical significance of this alteration remains unclear.